The following is an entry in ClinVar:

ClinVar aggregate classification (germline): Uncertain significance (1 of 4 stars; one submission).

Conditions:
Hereditary cancer-predisposing syndrome. Also called: Tumor predisposition; Hereditary Cancer Syndrome; Hereditary neoplastic syndrome; Neoplastic Syndromes, Hereditary. Identifiers: Orphanet 140162, MedGen C0027672, MeSH D009386, MONDO:0015356.

Submission:

Ambry Genetics
Classification: Uncertain significance for Hereditary cancer-predisposing syndrome. Last evaluated: 2023-01-28. Review status: criteria provided, single submitter. Criteria: Ambry Variant Classification Scheme 2023. Collection method: clinical testing. Allele origin: germline.
Comment: The p.V2819I variant (also known as c.8455G>A), located in coding exon 57 of the ATM gene, results from a G to A substitution at nucleotide position 8455. The valine at codon 2819 is replaced by isoleucine, an amino acid with highly similar properties. This amino acid position is conserved. In addition, this alteration is predicted to be tolerated by in silico analysis. Since supporting evidence is limited at this time, the clinical significance of this alteration remains unclear.

NM_000051.4(ATM):c.8455G>A (p.Val2819Ile)

Genes: ATM (ATM serine/threonine kinase; plus strand), C11orf65 (chromosome 11 open reading frame 65; minus strand). Cytogenetic location: 11q22.3.
Variant type: single nucleotide variant.
Coding change: c.8455G>A on transcript NM_000051.4 (MANE Select); coding-DNA position 8455, G replaced by A.
Protein change: p.Val2819Ile; replaces valine 2819 with isoleucine.
Molecular consequence: missense variant. On other transcripts: intron variant (2).
Genome position (GRCh38, 1-based): chr11:108,345,779, G>A. VCF-style: chr11-108345779-G-A. GRCh37 (hg19) VCF-style: chr11-108216506-G-A.
Other names: c.8455G>A, p.Val2819Ile (NM_001351834.2); c.641-36708C>T (NM_001330368.2); c.695-10487C>T (NM_001351110.2); short protein forms V2819I.
Identifiers: ClinVar variation 2453970 (VCV002453970.2), dbSNP rs2137027022, ClinGen allele CA382517917.